The following is an entry in ClinVar:

NM_005337.5(NCKAP1L):c.1315C>T (p.Leu439Phe)

Gene: NCKAP1L (NCK associated protein 1 like; plus strand). Cytogenetic location: 12q13.2.
Variant type: single nucleotide variant.
Coding change: c.1315C>T on transcript NM_005337.5 (MANE Select); coding-DNA position 1315, C replaced by T.
Protein change: p.Leu439Phe; replaces leucine 439 with phenylalanine.
Molecular consequence: missense variant.
Genome position (GRCh38, 1-based): chr12:54,517,915, C>T. VCF-style: chr12-54517915-C-T. GRCh37 (hg19) VCF-style: chr12-54911699-C-T.
Other names: c.1165C>T, p.Leu389Phe (NM_001184976.2); short protein forms L389F, L439F.
Identifiers: ClinVar variation 1995209 (VCV001995209.4), dbSNP rs2498597955, ClinGen allele CA385135867.

ClinVar aggregate classification (germline): Uncertain significance (1 of 4 stars; one submission).

Submission:

Labcorp Genetics (formerly Invitae), Labcorp
Classification: Uncertain significance. Last evaluated: 2022-06-14. Review status: criteria provided, single submitter. Criteria: Invitae Variant Classification Sherloc (09022015). Collection method: clinical testing. Allele origin: germline.
Comment: In summary, the available evidence is currently insufficient to determine the role of this variant in disease. Therefore, it has been classified as a Variant of Uncertain Significance. Algorithms developed to predict the effect of missense changes on protein structure and function are either unavailable or do not agree on the potential impact of this missense change (SIFT: "Deleterious"; PolyPhen-2: "Possibly Damaging"; Align-GVGD: "Class C0"). This variant has not been reported in the literature in individuals affected with NCKAP1L-related conditions. This variant is not present in population databases (gnomAD no frequency). This sequence change replaces leucine, which is neutral and non-polar, with phenylalanine, which is neutral and non-polar, at codon 439 of the NCKAP1L protein (p.Leu439Phe).